The following is an entry in ClinVar:

NM_145239.3(PRRT2):c.524T>C (p.Val175Ala)

Genes: MVP-DT (MVP divergent transcript; minus strand), PRRT2 (proline rich transmembrane protein 2; plus strand). Cytogenetic location: 16p11.2.
Variant type: single nucleotide variant.
Coding change: c.524T>C on transcript NM_145239.3 (MANE Select); coding-DNA position 524, T replaced by C.
Protein change: p.Val175Ala; replaces valine 175 with alanine.
Molecular consequence: missense variant.
Genome position (GRCh38, 1-based): chr16:29,813,578, T>C. VCF-style: chr16-29813578-T-C. GRCh37 (hg19) VCF-style: chr16-29824899-T-C.
Other names: c.524T>C, p.Val175Ala (NM_001256442.2, NM_001256443.2); short protein forms V175A.
Identifiers: ClinVar variation 931647 (VCV000931647.3), dbSNP rs1162557576, ClinGen allele CA395478881.

ClinVar aggregate classification (germline): Uncertain significance (1 of 4 stars; one submission).

Conditions:
Infantile convulsions and choreoathetosis (ICCA). Also called: PAROXYSMAL KINESIGENIC DYSKINESIA WITH INFANTILE CONVULSIONS; PRRT2-Related Paroxysmal Kinesigenic Dyskinesia with Infantile Convulsions (PKD/IC). Identifiers: Orphanet 31709, MedGen C1865926, MONDO:0011178, OMIM 602066.

Allele frequency attached by ClinVar (database versions not stated): gnomAD exomes below 0.00001.

Submission:

Centre for Mendelian Genomics, University Medical Centre Ljubljana
Classification: Uncertain significance for Infantile convulsions and choreoathetosis. Last evaluated: 2019-08-23. Review status: criteria provided, single submitter. Criteria: ACMG Guidelines, 2015. Collection method: clinical testing. Allele origin: unknown. Affected: yes.
Comment: This variant was classified as: Uncertain significance. The available evidence on this variant's pathogenicity is insufficient or conflicting. The following ACMG criteria were applied in classifying this variant: PM2,BP4.